The following is an entry in ClinVar:

ClinVar aggregate classification (germline): Conflicting classifications of pathogenicity. Review status: criteria provided, conflicting classifications (1 of 4 stars). 6 submissions from 6 submitters: Pathogenic (1); Uncertain significance (4). 1 of the submissions does not count toward it. Last evaluated 2026-01-21.

Conditions:
Alkaptonuria (AKU). Also called: Alcaptonuria; Homogentisic acidura; HOMOGENTISIC ACID OXIDASE DEFICIENCY; Alkaptonuric ochronosis. Identifiers: Orphanet 56, MedGen C0002066, MONDO:0008753, OMIM 203500.

Allele frequency attached by ClinVar (database versions not stated): gnomAD 0.00001; TOPMed 0.00001; gnomAD exomes 0.00005 and 0.00011; ExAC 0.00017.
gnomAD v4.1: 73 of 1,614,086 alleles (0.0045%); highest among the groups gnomAD compares: South Asian, 0.071%; 2 homozygotes.

Submissions (6):

Labcorp Genetics (formerly Invitae), Labcorp
Classification: Pathogenic for Alkaptonuria. Last evaluated: 2026-01-21. Review status: criteria provided, single submitter. Criteria: Invitae Variant Classification Sherloc (09022015). Collection method: clinical testing. Allele origin: germline.
Comment: This sequence change replaces glycine, which is neutral and non-polar, with aspartic acid, which is acidic and polar, at codon 251 of the HGD protein (p.Gly251Asp). This variant is present in population databases (rs781011621, gnomAD 0.07%). This missense change has been observed in individuals with akaptonuria and/or alkaptonuria (PMID: 25804398, 31927521, 32212000; internal data). ClinVar contains an entry for this variant (Variation ID: 903372). Invitae Evidence Modeling of protein sequence and biophysical properties (such as structural, functional, and spatial information, amino acid conservation, physicochemical variation, residue mobility, and thermodynamic stability) indicates that this missense variant is expected to disrupt HGD protein function with a positive predictive value of 95%. For these reasons, this variant has been classified as Pathogenic.

Fulgent Genetics
Classification: Uncertain significance for Alkaptonuria. Last evaluated: 2024-03-11. Review status: criteria provided, single submitter. Criteria: ACMG Guidelines, 2015. Collection method: clinical testing. Allele origin: germline.

Neuberg Centre For Genomic Medicine, NCGM
Classification: Uncertain significance for Alkaptonuria. Last evaluated: 2023-06-22. Review status: criteria provided, single submitter. Criteria: ACMG Guidelines, 2015. Collection method: clinical testing. Allele origin: germline. Inheritance: Autosomal recessive inheritance. Affected: yes.
Comment: The mechanism of action associated with this variant is in destabilizing promotor region (Nemethova et. al., 2016). The p.Gly251Asp variant is present with allele frequency of 0.01% in gnomAD exomes database. This variant has been submitted to the ClinVar database as Uncertain Significance. Multiple lines of computational evidence (Polyphen - probably damaging, SIFT - damaging and MutationTaster - disease causing) predict a damaging effect on protein structure and function for this variant. The reference amino acid at this position on HGD gene is predicted as conserved by GERP++ and PhyloP across 100 vertebrates. The amino acid Gly at position 251 is changed to a Asp changing protein sequence and it might alter its composition and physico-chemical properties. For these reasons, this variant has been classified as Uncertain Significance (VUS).

Department of Pathology and Laboratory Medicine, Sinai Health System
Classification: Uncertain significance for Alkaptonuria. Last evaluated: 2023-02-24. Review status: criteria provided, single submitter. Criteria: ACMG Guidelines, 2015. Collection method: research. Allele origin: germline.

Illumina Laboratory Services, Illumina
Classification: Uncertain significance for Alkaptonuria. Last evaluated: 2017-04-27. Review status: criteria provided, single submitter. Criteria: ICSL Variant Classification Criteria 13 December 2019. Collection method: clinical testing. Allele origin: germline.
Comment: This variant was observed as part of a predisposition screen in an ostensibly healthy population. A literature search was performed for the gene, cDNA change, and amino acid change (where applicable). Publications were found based on this search. However, the evidence from the literature, in combination with allele frequency data from public databases where available, was not sufficient to rule this variant in or out of causing disease. Therefore, this variant is classified as a variant of unknown significance.

Department Of Human Genetics, Institute Of Clinical And Translational Research, Biomedical Research Center, Slovak Academy Of Sciences
Classification: Pathogenic for Alkaptonuria. Review status: no assertion criteria provided. Collection method: research. Allele origin: germline. Inheritance: Autosomal recessive inheritance. Affected: yes. Observed: 6 variant alleles. Not counted in ClinVar's aggregate classification.
Comment: The variant was originally described in AKU patient in PMID:25804398. It has been submitted to the HGD gene mutation database (DB-ID: AKU_00156).

Literature cited by the submitters: PubMed 25804398 (cited by 3 submitters); PubMed 31927521 (cited by Labcorp Genetics (formerly Invitae), Labcorp); PubMed 32212000 (cited by Labcorp Genetics (formerly Invitae), Labcorp).

NM_000187.4(HGD):c.752G>A (p.Gly251Asp)

Gene: HGD (homogentisate 1,2-dioxygenase; minus strand). Cytogenetic location: 3q13.33.
Variant type: single nucleotide variant.
Coding change: c.752G>A on transcript NM_000187.4 (MANE Select); coding-DNA position 752, G replaced by A.
Protein change: p.Gly251Asp; replaces glycine 251 with aspartic acid.
Molecular consequence: missense variant.
Genome position (GRCh38, 1-based): chr3:120,644,341, C>T on the plus strand (G>A on the coding strand, the complement: HGD is on the minus strand). VCF-style: chr3-120644341-C-T. GRCh37 (hg19) VCF-style: chr3-120363188-C-T.
Other names: short protein forms G251D.
Identifiers: ClinVar variation 903372 (VCV000903372.14), dbSNP rs781011621, ClinGen allele CA2560085.